The following is an entry in ClinVar:

ClinVar aggregate classification (germline): Pathogenic (1 of 4 stars; one submission).

Submission:

CeGaT Center for Human Genetics Tuebingen
Classification: Pathogenic. Last evaluated: 2024-02-01. Review status: criteria provided, single submitter. Criteria: CeGaT Center For Human Genetics Tuebingen Variant Classification Criteria Version 2. Collection method: clinical testing. Allele origin: germline. Affected: yes. Observed: 1 variant allele.
Comment: STAT1: PM6:Strong, PM1, PM2, PM5, PP2, PS4:Supporting

NM_007315.4(STAT1):c.1973A>G (p.Asn658Ser)

Gene: STAT1 (signal transducer and activator of transcription 1; minus strand). Cytogenetic location: 2q32.2.
Variant type: single nucleotide variant.
Coding change: c.1973A>G on transcript NM_007315.4 (MANE Select); coding-DNA position 1973, A replaced by G.
Protein change: p.Asn658Ser; replaces asparagine 658 with serine.
Molecular consequence: missense variant. On other transcripts: intron variant (1).
Genome position (GRCh38, 1-based): chr2:190,976,926, T>C on the plus strand (A>G on the coding strand, the complement: STAT1 is on the minus strand). VCF-style: chr2-190976926-T-C. GRCh37 (hg19) VCF-style: chr2-191841652-T-C.
Other names: c.1913A>G, p.Asn638Ser (NM_001384880.1); c.1979A>G, p.Asn660Ser (NM_001384881.1); c.1967A>G, p.Asn656Ser (NM_001384882.1); c.1874A>G, p.Asn625Ser (NM_001384883.1); c.1814A>G, p.Asn605Ser (NM_001384885.1); c.1973A>G, p.Asn658Ser (NM_001384886.1, NM_001384889.1, NM_139266.3); c.1880A>G, p.Asn627Ser (NM_001384887.1); c.1943A>G, p.Asn648Ser (NM_001384888.1); and 3 more; short protein forms N605S, N625S, N627S, N628S, N638S, N648S, N656S, N658S.
Identifiers: ClinVar variation 3026523 (VCV003026523.22), dbSNP rs2470418264, ClinGen allele CA349912191.
Genomic context (GRCh38, chr2:190,976,926, plus strand): 5'-CCAAAGGCATGGTCTTTGTCAATATTTGGATACAGATACTTCAGGGGATTCTCAGGAATA[T>C]TCTCAGCAGCCATGACTTTGTAATTGCGAATGATGTCAGGGAAAGTAACAGCAGAAAGTT-3'
Protein context (NP_009330.1, residues 648-668): IRNYKVMAAE[Asn658Ser]IPENPLKYLY